The following is an entry in ClinVar:

ClinVar aggregate classification (germline): Uncertain significance. Review status: criteria provided, multiple submitters, no conflicts (2 of 4 stars). 2 submissions from 2 submitters: Uncertain significance (2). Last evaluated 2025-02-15.

Conditions:
Inborn genetic diseases. Identifiers: MedGen C0950123, MeSH D030342.

Allele frequency attached by ClinVar (database versions not stated): TOPMed 0.00003; gnomAD 0.00004 and 0.00007; gnomAD exomes 0.00006 and 0.00022; ExAC 0.00009; 1000 Genomes Project 0.00020; 1000 Genomes Project 30x 0.00047.

Submissions (2):

Ambry Genetics
Classification: Uncertain significance for Inborn genetic diseases. Last evaluated: 2025-02-15. Review status: criteria provided, single submitter. Criteria: Ambry Variant Classification Scheme 2023. Collection method: clinical testing. Allele origin: germline.

Labcorp Genetics (formerly Invitae), Labcorp
Classification: Uncertain significance. Last evaluated: 2022-06-27. Review status: criteria provided, single submitter. Criteria: Invitae Variant Classification Sherloc (09022015). Collection method: clinical testing. Allele origin: germline.
Comment: This sequence change replaces arginine, which is basic and polar, with tryptophan, which is neutral and slightly polar, at codon 215 of the CEP63 protein (p.Arg215Trp). This variant is present in population databases (rs562546768, gnomAD 0.01%). This variant has not been reported in the literature in individuals affected with CEP63-related conditions. Algorithms developed to predict the effect of missense changes on protein structure and function (SIFT, PolyPhen-2, Align-GVGD) all suggest that this variant is likely to be disruptive. In summary, the available evidence is currently insufficient to determine the role of this variant in disease. Therefore, it has been classified as a Variant of Uncertain Significance.

NM_001353108.3(CEP63):c.643C>T (p.Arg215Trp)

Gene: CEP63 (centrosomal protein 63; plus strand). Cytogenetic location: 3q22.2.
Variant type: single nucleotide variant.
Coding change: c.643C>T on transcript NM_001353108.3 (MANE Select); coding-DNA position 643, C replaced by T.
Protein change: p.Arg215Trp; replaces arginine 215 with tryptophan.
Molecular consequence: missense variant. On other transcripts: non-coding transcript variant (4).
Genome position (GRCh38, 1-based): chr3:134,545,673, C>T. VCF-style: chr3-134545673-C-T. GRCh37 (hg19) VCF-style: chr3-134264515-C-T.
Other names: c.643C>T, p.Arg215Trp (NM_001042383.2, NM_001042384.2, NM_001042400.3 and 13 more transcripts); c.670C>T, p.Arg224Trp (NM_001353118.1); c.559C>T, p.Arg187Trp (NM_001353125.2); c.280C>T, p.Arg94Trp (NM_001353126.2); c.643C>T (NM_025180.3); short protein forms R224W, R94W, R187W, R215W.
Identifiers: ClinVar variation 1444371 (VCV001444371.5), dbSNP rs562546768, ClinGen allele CA2628447.